The following is an entry in ClinVar:

NM_001363711.2(DUOX2):c.307G>A (p.Val103Ile)

Gene: DUOX2 (dual oxidase 2; minus strand). Cytogenetic location: 15q21.1.
Variant type: single nucleotide variant.
Coding change: c.307G>A on transcript NM_001363711.2 (MANE Select); coding-DNA position 307, G replaced by A.
Protein change: p.Val103Ile; replaces valine 103 with isoleucine.
Molecular consequence: missense variant.
Genome position (GRCh38, 1-based): chr15:45,112,572, C>T on the plus strand (G>A on the coding strand, the complement: DUOX2 is on the minus strand). VCF-style: chr15-45112572-C-T. GRCh37 (hg19) VCF-style: chr15-45404770-C-T.
Other names: c.307G>A, p.Val103Ile (NM_014080.5); c.307G>A (NM_014080.4); short protein forms V103I.
Identifiers: ClinVar variation 1923616 (VCV001923616.7), dbSNP rs148211186, ClinGen allele CA7539033.

ClinVar aggregate classification (germline): Uncertain significance. Review status: criteria provided, multiple submitters, no conflicts (2 of 4 stars). 2 submissions from 2 submitters: Uncertain significance (2). Last evaluated 2025-12-06.

Conditions:
Inborn genetic diseases. Identifiers: MedGen C0950123, MeSH D030342.

gnomAD v4.1: 17 of 1,612,998 alleles (0.0011%); highest among the groups gnomAD compares: African/African-American, 0.021%; no homozygotes.

Submissions (2):

Labcorp Genetics (formerly Invitae), Labcorp
Classification: Uncertain significance. Last evaluated: 2025-12-06. Review status: criteria provided, single submitter. Criteria: Invitae Variant Classification Sherloc (09022015). Collection method: clinical testing. Allele origin: germline.
Comment: This sequence change replaces valine, which is neutral and non-polar, with isoleucine, which is neutral and non-polar, at codon 103 of the DUOX2 protein (p.Val103Ile). This variant is present in population databases (rs148211186, gnomAD 0.02%). This variant has not been reported in the literature in individuals affected with DUOX2-related conditions. ClinVar contains an entry for this variant (Variation ID: 1923616). Invitae Evidence Modeling of protein sequence and biophysical properties (such as structural, functional, and spatial information, amino acid conservation, physicochemical variation, residue mobility, and thermodynamic stability) indicates that this missense variant is expected to disrupt DUOX2 protein function with a positive predictive value of 80%. In summary, the available evidence is currently insufficient to determine the role of this variant in disease. Therefore, it has been classified as a Variant of Uncertain Significance.

Ambry Genetics
Classification: Uncertain significance for Inborn genetic diseases. Last evaluated: 2025-04-08. Review status: criteria provided, single submitter. Criteria: Ambry Variant Classification Scheme 2023. Collection method: clinical testing. Allele origin: germline.